The following is an entry in ClinVar:

NM_004415.4(DSP):c.8237G>C (p.Ser2746Thr)

Gene: DSP (desmoplakin; plus strand). Cytogenetic location: 6p24.3.
Variant type: single nucleotide variant.
Coding change: c.8237G>C on transcript NM_004415.4 (MANE Select); coding-DNA position 8237, G replaced by C.
Protein change: p.Ser2746Thr; replaces serine 2746 with threonine.
Molecular consequence: missense variant.
Genome position (GRCh38, 1-based): chr6:7,585,499, G>C. VCF-style: chr6-7585499-G-C. GRCh37 (hg19) VCF-style: chr6-7585732-G-C.
Other names: c.6440G>C, p.Ser2147Thr (NM_001008844.3); c.6908G>C, p.Ser2303Thr (NM_001319034.2); short protein forms S2303T, S2746T, S2147T.
Identifiers: ClinVar variation 3505480 (VCV003505480.3).

ClinVar aggregate classification (germline): Uncertain significance. Review status: criteria provided, multiple submitters, no conflicts (2 of 4 stars). 2 submissions from 2 submitters: Uncertain significance (2). Last evaluated 2024-12-20.

Conditions:
Cardiovascular phenotype. Identifiers: MedGen CN230736.
Arrhythmogenic cardiomyopathy with wooly hair and keratoderma. Also called: PALMOPLANTAR KERATODERMA WITH LEFT VENTRICULAR CARDIOMYOPATHY AND WOOLLY HAIR; Carvajal syndrome; Arrhythmogenic cardiomyopathy with woolly hair and keratoderma; Dilated cardiomyopathy with woolly hair and keratoderma. Identifiers: Orphanet 65282, MedGen C1854063, MONDO:0011581, OMIM 605676.
Arrhythmogenic right ventricular dysplasia 8 (ARVD8). Also called: Arrhythmogenic Right Ventricular Dysplasia/Cardiomyopathy 8; ARRHYTHMOGENIC RIGHT VENTRICULAR DYSPLASIA, FAMILIAL, 8; ARRHYTHMOGENIC RIGHT VENTRICULAR CARDIOMYOPATHY 8. Identifiers: MedGen C1843896, MONDO:0011831, OMIM 607450.

gnomAD v4.1: 1 of 1,614,198 alleles (0.000062%); no homozygotes.

Submissions (2):

Labcorp Genetics (formerly Invitae), Labcorp
Classification: Uncertain significance for Arrhythmogenic cardiomyopathy with wooly hair and keratoderma; Arrhythmogenic right ventricular dysplasia 8. Last evaluated: 2024-12-20. Review status: criteria provided, single submitter. Criteria: Invitae Variant Classification Sherloc (09022015). Collection method: clinical testing. Allele origin: germline.
Comment: This sequence change replaces serine, which is neutral and polar, with threonine, which is neutral and polar, at codon 2746 of the DSP protein (p.Ser2746Thr). This variant is not present in population databases (gnomAD no frequency). This variant has not been reported in the literature in individuals affected with DSP-related conditions. An algorithm developed to predict the effect of missense changes on protein structure and function (PolyPhen-2) suggests that this variant is likely to be tolerated. In summary, the available evidence is currently insufficient to determine the role of this variant in disease. Therefore, it has been classified as a Variant of Uncertain Significance.

Ambry Genetics
Classification: Uncertain significance for Cardiovascular phenotype. Last evaluated: 2024-07-17. Review status: criteria provided, single submitter. Criteria: Ambry Variant Classification Scheme 2023. Collection method: clinical testing. Allele origin: germline.
Comment: The p.S2746T variant (also known as c.8237G>C), located in coding exon 24 of the DSP gene, results from a G to C substitution at nucleotide position 8237. The serine at codon 2746 is replaced by threonine, an amino acid with similar properties. This amino acid position is conserved. In addition, this alteration is predicted to be tolerated by in silico analysis. Based on the available evidence, the clinical significance of this variant remains unclear.